The following is an entry in ClinVar:

NM_001365902.3(NFIX):c.220del (p.Arg74fs)

Gene: NFIX (nuclear factor I X; plus strand). Cytogenetic location: 19p13.13.
Variant type: Deletion.
Coding change: c.220del on transcript NM_001365902.3 (MANE Select); coding-DNA position 220, one base deleted (C; older notation c.220delC).
Protein change: p.Arg74fs; shifts the reading frame from arginine 74.
Molecular consequence: frameshift variant.
Genome position (GRCh38, 1-based): chr19:13,025,213, C deleted; the last of 3 consecutive C bases (chr19:13,025,211-13,025,213); deleting any one gives the same sequence. VCF-style (leftmost placement, unchanged base first): chr19-13025210-TC-T. GRCh37 (hg19) VCF-style: chr19-13136024-TC-T.
Other names: c.196del (NM_001271044.2); c.244del, p.Arg82fs (NM_001271043.2); c.196del, p.Arg66fs (NM_001271044.3, NM_001378404.1); c.220del, p.Arg74fs (NM_001365982.2, NM_002501.4); c.79del, p.Arg27fs (NM_001365983.2); c.217del, p.Arg73fs (NM_001365984.2, NM_001365985.2); c.268del, p.Arg90fs (NM_001378405.1); short protein forms R27fs, R66fs, R73fs, R74fs, R82fs, R90fs.
Identifiers: ClinVar variation 982716 (VCV000982716.2), dbSNP rs2013235786, ClinGen allele CA1139666302.

ClinVar aggregate classification (germline): Pathogenic/Likely pathogenic. Review status: criteria provided, single submitter (1 of 4 stars). 2 submissions from 1 submitter: Pathogenic (1); Likely pathogenic (1). Last evaluated 2020-09-02.

Conditions:
Marshall-Smith syndrome (MRSHSS). Identifiers: Orphanet 561, MedGen C0265211, MONDO:0011244, OMIM 602535.
Malan overgrowth syndrome (MALNS). Also called: MALAN SYNDROME; NFIX-Related Malan Syndrome; Sotos syndrome 2. Identifiers: Orphanet 420179, MedGen C3553660, MONDO:0013885, OMIM 614753.

Submissions (2):

Institute of Human Genetics, University of Leipzig Medical Center
Classification: Pathogenic for Marshall-Smith syndrome. Last evaluated: 2020-09-02. Review status: criteria provided, single submitter. Criteria: ACMG Guidelines, 2015. Collection method: clinical testing. Allele origin: de novo. Affected: yes.
Comment: This variant was identified as de novo (maternity and paternity confirmed).

Institute of Human Genetics, University of Leipzig Medical Center
Classification: Likely pathogenic for Malan overgrowth syndrome. Last evaluated: 2019-01-01. Review status: criteria provided, single submitter. Criteria: ACMG Guidelines, 2015. Collection method: clinical testing. Allele origin: unknown. Affected: yes.